The following is an entry in ClinVar:

ClinVar aggregate classification (germline): Likely pathogenic (1 of 4 stars; one submission).

Conditions:
Duchenne muscular dystrophy (DMD). Also called: MUSCULAR DYSTROPHY, PSEUDOHYPERTROPHIC PROGRESSIVE, DUCHENNE TYPE; Duchenne Muscular Dystrophy (DMD). Identifiers: Orphanet 98896, MedGen C0013264, MONDO:0010679, OMIM 310200.

Submission:

Laboratory of Medical Genetics, National & Kapodistrian University of Athens
Classification: Likely pathogenic for Duchenne muscular dystrophy. Last evaluated: 2022-12-16. Review status: criteria provided, single submitter. Criteria: ACMG Guidelines, 2015. Collection method: clinical testing. Allele origin: germline. Affected: yes.
Comment: PVS1, PM2

NM_004006.3(DMD):c.9163+2T>A

Gene: DMD (dystrophin; minus strand). Cytogenetic location: Xp21.2.
Variant type: single nucleotide variant.
Coding change: c.9163+2T>A on transcript NM_004006.3 (MANE Select); the canonical splice donor site of the intron after coding-DNA position 9163, T replaced by A.
Molecular consequence: splice donor variant.
Genome position (GRCh38, 1-based): chrX:31,348,554, A>T on the plus strand (T>A on the coding strand, the complement: DMD is on the minus strand). VCF-style: chrX-31348554-A-T. GRCh37 (hg19) VCF-style: chrX-31366671-A-T.
Other names: c.9139+2T>A (NM_000109.4); c.5140+2T>A (NM_004011.4); c.5131+2T>A (NM_004012.4); c.1783+2T>A (NM_004023.3, NM_004020.4, NM_004022.3 and 2 more transcripts); c.976+2T>A (NM_004014.3); c.9151+2T>A (NM_004009.3); c.8794+2T>A (NM_004010.3).
Identifiers: ClinVar variation 1806431 (VCV001806431.1), dbSNP rs1556539065, ClinGen allele CA412653552.